The following is an entry in ClinVar:

NM_016035.5(COQ4):c.461A>G (p.Tyr154Cys)

Gene: COQ4 (coenzyme Q4; plus strand). Cytogenetic location: 9q34.11.
Variant type: single nucleotide variant.
Coding change: c.461A>G on transcript NM_016035.5 (MANE Select); coding-DNA position 461, A replaced by G.
Protein change: p.Tyr154Cys; replaces tyrosine 154 with cysteine.
Molecular consequence: missense variant. On other transcripts: intron variant (1).
Genome position (GRCh38, 1-based): chr9:128,332,211, A>G. VCF-style: chr9-128332211-A-G. GRCh37 (hg19) VCF-style: chr9-131094490-A-G.
Other names: c.3-1263A>G (NM_001305942.2); short protein forms Y154C.
Identifiers: ClinVar variation 542773 (VCV000542773.8), dbSNP rs147142262, ClinGen allele CA5260586.
Genomic context (GRCh38, chr9:128,332,211, plus strand): 5'-AGAGGGTCTCCCCAGACACCCGAGCACCCACCCGCTTCGTGGATGATGAGGAGCTAGCGT[A>G]TGTGATTCAGCGGTACCGGGAGGTGCACGACATGCTTCACACCCTGCTGGGGATGCCCAC-3'
Protein context (NP_057119.3, residues 144-164): TRFVDDEELA[Tyr154Cys]VIQRYREVHD

ClinVar aggregate classification (germline): Uncertain significance (1 of 4 stars; one submission).

Conditions:
Neonatal encephalomyopathy-cardiomyopathy-respiratory distress syndrome. Also called: Coenzyme Q10 deficiency, primary, 7. Identifiers: Orphanet 457185, MedGen C5568562, MONDO:0014562, OMIM 616276.

gnomAD v4.1: 6 of 1,611,676 alleles (0.00037%); highest among the groups gnomAD compares: Middle Eastern, 0.017%; no homozygotes.

Submission:

Labcorp Genetics (formerly Invitae), Labcorp
Classification: Uncertain significance for Neonatal encephalomyopathy-cardiomyopathy-respiratory distress syndrome. Last evaluated: 2022-04-28. Review status: criteria provided, single submitter. Criteria: Invitae Variant Classification Sherloc (09022015). Collection method: clinical testing. Allele origin: germline.
Comment: This sequence change replaces tyrosine, which is neutral and polar, with cysteine, which is neutral and slightly polar, at codon 154 of the COQ4 protein (p.Tyr154Cys). This variant is present in population databases (rs147142262, gnomAD 0.002%). This variant has not been reported in the literature in individuals affected with COQ4-related conditions. ClinVar contains an entry for this variant (Variation ID: 542773). Algorithms developed to predict the effect of missense changes on protein structure and function (SIFT, PolyPhen-2, Align-GVGD) all suggest that this variant is likely to be disruptive. In summary, the available evidence is currently insufficient to determine the role of this variant in disease. Therefore, it has been classified as a Variant of Uncertain Significance.